The following is an entry in ClinVar:

ClinVar aggregate classification (germline): Likely pathogenic (1 of 4 stars; one submission).

Submission:

GeneDx
Classification: Likely pathogenic. Last evaluated: 2019-11-13. Review status: criteria provided, single submitter. Criteria: GeneDx Variant Classification Process June 2021. Collection method: clinical testing. Allele origin: germline. Affected: yes.
Comment: Has not been previously published as pathogenic or benign to our knowledge; Frameshift variant predicted to result in protein truncation or nonsense mediated decay in a gene for which loss-of-function is not a known mechanism of disease; Not observed in large population cohorts (Lek et al., 2016); Located in the I-band of titin; however, the majority of truncating pathogenic variants associated with DCM have been reported in the A-band region of titin (Herman et al., 2012)

NM_001267550.2(TTN):c.16950_16951insCTTT (p.Glu5651delinsLeuTer)

Genes: TTN (titin; minus strand), LOC126806431 (CDK7 strongly-dependent group 2 enhancer GRCh37_chr2:179595719-179596918; plus strand). Cytogenetic location: 2q31.2.
Variant type: Insertion.
Coding change: c.16950_16951insCTTT on transcript NM_001267550.2 (MANE Select); coding-DNA positions 16950 to 16951, CTTT inserted.
Protein change: p.Glu5651delinsLeuTer.
Molecular consequence: nonsense. On other transcripts: intron variant (3).
Genome position: GRCh38 VCF-style: chr2-178731924-C-CAAAG. GRCh37 (hg19) VCF-style: chr2-179596651-C-CAAAG.
Other names: c.15999_16000insCTTT, p.Glu5334delinsLeuTer (NM_001256850.1); c.13218_13219insCTTT, p.Glu4407delinsLeuTer (NM_133378.4); c.13282+6157_13282+6158insCTTT (NM_003319.4); c.13858+6157_13858+6158insCTTT (NM_133437.4); c.13657+6157_13657+6158insCTTT (NM_133432.3).
Identifiers: ClinVar variation 817119 (VCV000817119.2), dbSNP rs1578175759, ClinGen allele CA915942290.